The following is an entry in ClinVar:

ClinVar aggregate classification (germline): Likely benign (0 of 4 stars; one submission).

Conditions:
KIDINS220-related disorder. Also called: KIDINS220-related condition.

Submission:

PreventionGenetics, part of Exact Sciences
Classification: Likely benign for KIDINS220-related condition. Last evaluated: 2024-07-25. Review status: no assertion criteria provided. Collection method: clinical testing. Allele origin: germline.
Comment: This variant is classified as likely benign based on ACMG/AMP sequence variant interpretation guidelines (Richards et al. 2015 PMID: 25741868, with internal and published modifications).

NM_020738.4(KIDINS220):c.2604A>C (p.Ser868=)

Gene: KIDINS220 (kinase D interacting substrate 220; minus strand). Cytogenetic location: 2p25.1.
Variant type: single nucleotide variant.
Coding change: c.2604A>C on transcript NM_020738.4 (MANE Select); coding-DNA position 2604, A replaced by C.
Protein change: p.Ser868=; no amino-acid change (serine 868 retained).
Molecular consequence: synonymous variant. On other transcripts: non-coding transcript variant (2).
Genome position (GRCh38, 1-based): chr2:8,778,906, T>G on the plus strand (A>C on the coding strand, the complement: KIDINS220 is on the minus strand). VCF-style: chr2-8778906-T-G. GRCh37 (hg19) VCF-style: chr2-8919036-T-G.
Other names: c.2607A>C, p.Ser869= (NM_001348729.2, NM_001348731.2, NM_001348734.2 and 3 more transcripts); c.2604A>C, p.Ser868= (NM_001348732.2, NM_001348735.2, NM_001348738.2 and 3 more transcripts); c.2478A>C, p.Ser826= (NM_001348736.2).
Identifiers: ClinVar variation 3344326 (VCV003344326.1).
Genomic context (GRCh38, chr2:8,778,906, plus strand): 5'-AACTACAAAACTATTTCAAACTCAAAGTACTTTAGGAGCCTGAGCTTTACCTGTAGTATC[T>G]GAGCATGGAACGTCTCCATTTGTTGCTGAAGTTACGAGAAATTTTCTTGCATTGCTTAGT-3'
Protein context (NP_065789.1, residues 858-878): TSATNGDVPC[Ser868=]DTTGIQEDAD